The following is an entry in ClinVar:

ClinVar aggregate classification (germline): Likely benign. Review status: criteria provided, single submitter (1 of 4 stars). 2 submissions from 2 submitters: Likely benign (1). 1 of the submissions does not count toward it. Last evaluated 2025-12-08.

Conditions:
USP9X-related disorder. Also called: USP9X-related condition.

Allele frequency attached by ClinVar (database versions not stated): gnomAD exomes 0.00001.
gnomAD v4.1: 5 of 1,204,682 alleles (0.00042%); highest among the groups gnomAD compares: Middle Eastern, 0.12%; no homozygotes.

Submissions (2):

Labcorp Genetics (formerly Invitae), Labcorp
Classification: Likely benign. Last evaluated: 2025-12-08. Review status: criteria provided, single submitter. Criteria: Invitae Variant Classification Sherloc (09022015). Collection method: clinical testing. Allele origin: germline.

PreventionGenetics, part of Exact Sciences
Classification: Likely benign for USP9X-related condition. Last evaluated: 2019-07-12. Review status: no assertion criteria provided. Collection method: clinical testing. Allele origin: germline. Not counted in ClinVar's aggregate classification.
Comment: This variant is classified as likely benign based on ACMG/AMP sequence variant interpretation guidelines (Richards et al. 2015 PMID: 25741868, with internal and published modifications).

NM_001039591.3(USP9X):c.933T>C (p.Ile311=)

Gene: USP9X (ubiquitin specific peptidase 9 X-linked; plus strand). Cytogenetic location: Xp11.4.
Variant type: single nucleotide variant.
Coding change: c.933T>C on transcript NM_001039591.3 (MANE Select); coding-DNA position 933, T replaced by C.
Protein change: p.Ile311=; no amino-acid change (isoleucine 311 retained).
Molecular consequence: synonymous variant.
Genome position (GRCh38, 1-based): chrX:41,141,128, T>C. VCF-style: chrX-41141128-T-C. GRCh37 (hg19) VCF-style: chrX-41000381-T-C.
Other names: c.933T>C (NM_001039590.2); c.933T>C, p.Ile311= (NM_001039590.3, NM_001410748.1, NM_001410749.1).
Identifiers: ClinVar variation 2956414 (VCV002956414.5), dbSNP rs867009910, ClinGen allele CA329013659.